The following is an entry in ClinVar:

NM_006662.3(SRCAP):c.9313G>A (p.Glu3105Lys)

Gene: SRCAP (Snf2 related CREBBP activator protein; plus strand). Cytogenetic location: 16p11.2.
Variant type: single nucleotide variant.
Coding change: c.9313G>A on transcript NM_006662.3 (MANE Select); coding-DNA position 9313, G replaced by A.
Protein change: p.Glu3105Lys; replaces glutamic acid 3105 with lysine.
Molecular consequence: missense variant.
Genome position (GRCh38, 1-based): chr16:30,739,353, G>A. VCF-style: chr16-30739353-G-A. GRCh37 (hg19) VCF-style: chr16-30750674-G-A.
Other names: short protein forms E3105K.
Identifiers: ClinVar variation 2632156 (VCV002632156.1), dbSNP rs2053198954, ClinGen allele CA395644039.

ClinVar aggregate classification (germline): Uncertain significance (1 of 4 stars; one submission).

Conditions:
SRCAP-related disorder. Also called: SRCAP-related condition.

Allele frequency attached by ClinVar (database versions not stated): TOPMed below 0.00001.

Submission:

PreventionGenetics, part of Exact Sciences
Classification: Uncertain significance for SRCAP-related condition. Last evaluated: 2023-07-27. Review status: criteria provided, single submitter. Criteria: ACMG Guidelines, 2015. Collection method: clinical testing. Allele origin: germline.
Comment: The SRCAP c.9313G>A variant is predicted to result in the amino acid substitution p.Glu3105Lys. To our knowledge, this variant has not been reported in the literature or in a large population database, indicating this variant is rare. At this time, the clinical significance of this variant is uncertain due to the absence of conclusive functional and genetic evidence.